The following is an entry in ClinVar:

ClinVar aggregate classification (germline): Benign/Likely benign. Review status: criteria provided, multiple submitters, no conflicts (2 of 4 stars). 3 submissions from 3 submitters: Benign (1); Likely benign (2). Last evaluated 2024-06-28.

Conditions:
Oligodontia-cancer predisposition syndrome. Also called: TOOTH AGENESIS-COLORECTAL CANCER SYNDROME. Identifiers: Orphanet 300576, MedGen C1837750, MONDO:0012075, OMIM 608615. Disease mechanism: loss of function.
Hereditary cancer-predisposing syndrome. Also called: Hereditary Cancer Syndrome; Neoplastic Syndromes, Hereditary; Hereditary neoplastic syndrome; Tumor predisposition. Identifiers: Orphanet 140162, MedGen C0027672, MeSH D009386, MONDO:0015356.

Allele frequency attached by ClinVar (database versions not stated): gnomAD exomes below 0.00001.
gnomAD v4.1: 1 of 1,606,070 alleles (0.000062%); highest among the groups gnomAD compares: Admixed American, 0.0017%; no homozygotes.

Submissions (3):

Myriad Genetics, Inc.
Classification: Benign for Oligodontia-cancer predisposition syndrome. Last evaluated: 2024-06-28. Review status: criteria provided, single submitter. Criteria: Myriad Autosomal Dominant, Autosomal Recessive and X-Linked Classification Criteria (2023). Collection method: clinical testing. Allele origin: unknown.
Comment: This variant is considered benign. This variant is a silent/synonymous amino acid change and it is not expected to impact splicing.

Labcorp Genetics (formerly Invitae), Labcorp
Classification: Likely benign for Oligodontia-cancer predisposition syndrome. Last evaluated: 2023-07-16. Review status: criteria provided, single submitter. Criteria: Invitae Variant Classification Sherloc (09022015). Collection method: clinical testing. Allele origin: germline.

Ambry Genetics
Classification: Likely benign for Hereditary cancer-predisposing syndrome. Last evaluated: 2022-10-17. Review status: criteria provided, single submitter. Criteria: Ambry Variant Classification Scheme 2023. Collection method: clinical testing. Allele origin: germline.

NM_004655.4(AXIN2):c.870C>A (p.Val290=)

Gene: AXIN2 (axin 2; minus strand). Cytogenetic location: 17q24.1.
Variant type: single nucleotide variant.
Coding change: c.870C>A on transcript NM_004655.4 (MANE Select); coding-DNA position 870, C replaced by A.
Protein change: p.Val290=; no amino-acid change (valine 290 retained).
Molecular consequence: synonymous variant.
Genome position (GRCh38, 1-based): chr17:65,549,606, G>T on the plus strand (C>A on the coding strand, the complement: AXIN2 is on the minus strand). VCF-style: chr17-65549606-G-T. GRCh37 (hg19) VCF-style: chr17-63545724-G-T.
Other names: c.870C>A, p.Val290= (NM_001363813.1).
Identifiers: ClinVar variation 1088337 (VCV001088337.12), dbSNP rs1312733411, ClinGen allele CA501476715.